The following is an entry in ClinVar:

ClinVar aggregate classification (germline): Pathogenic/Likely pathogenic. Review status: criteria provided, multiple submitters, no conflicts (2 of 4 stars). 2 submissions from 2 submitters: Pathogenic (1); Likely pathogenic (1). Last evaluated 2024-11-13.

Conditions:
Familial X-linked hypophosphatemic vitamin D refractory rickets (XLHRD). Also called: X-Linked Hypophosphatemia; Hypophosphatemic Rickets, X-Linked Dominant; HYPOPHOSPHATEMIC VITAMIN D-RESISTANT RICKETS; Hypophosphatemia, vitamin D-resistant rickets; Vitamin D-resistant rickets, X-linked. Identifiers: Orphanet 89936, MedGen C0733682, MONDO:0010619, OMIM 307800.

Submissions (2):

Labcorp Genetics (formerly Invitae), Labcorp
Classification: Pathogenic. Last evaluated: 2024-11-13. Review status: criteria provided, single submitter. Criteria: Invitae Variant Classification Sherloc (09022015). Collection method: clinical testing. Allele origin: germline.
Comment: This sequence change creates a premature translational stop signal (p.Trp106*) in the PHEX gene. It is expected to result in an absent or disrupted protein product. Loss-of-function variants in PHEX are known to be pathogenic (PMID: 9097956, 9106524, 19219621). This variant is not present in population databases (gnomAD no frequency). This variant has not been reported in the literature in individuals affected with PHEX-related conditions. ClinVar contains an entry for this variant (Variation ID: 36677). For these reasons, this variant has been classified as Pathogenic.

Women's Health and Genetics/Laboratory Corporation of America, LabCorp
Classification: Likely pathogenic for X-linked Hypophosphatemic Rickets. Last evaluated: 2011-08-18. Review status: criteria provided, single submitter. Criteria: LabCorp Variant Classification Summary - May 2015. Collection method: curation, clinical testing. Allele origin: germline. Inheritance: Xlinked unknown. Affected: yes.
ClinVar note: Converted during submission from likely pathogenic to Likely pathogenic.

Literature cited by the submitters: PubMed 9097956 (cited by Labcorp Genetics (formerly Invitae), Labcorp); PubMed 9106524 (cited by Labcorp Genetics (formerly Invitae), Labcorp); PubMed 19219621 (cited by Labcorp Genetics (formerly Invitae), Labcorp).

NM_000444.6(PHEX):c.318G>A (p.Trp106Ter)

Gene: PHEX (phosphate regulating endopeptidase X-linked; plus strand). Cytogenetic location: Xp22.11.
Variant type: single nucleotide variant.
Coding change: c.318G>A on transcript NM_000444.6 (MANE Select); coding-DNA position 318, G replaced by A.
Protein change: p.Trp106Ter; replaces tryptophan 106 with a stop codon.
Molecular consequence: nonsense.
Genome position (GRCh38, 1-based): chrX:22,047,180, G>A. VCF-style: chrX-22047180-G-A. GRCh37 (hg19) VCF-style: chrX-22065298-G-A.
Other names: c.318G>A, p.Trp106Ter (NM_001282754.2); short protein forms W106*.
Identifiers: ClinVar variation 36677 (VCV000036677.10), dbSNP rs193922458, ClinGen allele CA260508.
Genomic context (GRCh38, chrX:22,047,180, plus strand): 5'-TGGCTGGATAAGCAATAATCCAATTCCCGAAGATATGCCAAGCTATGGGGTTTATCCTTG[G>A]CTGAGACATAATGTTGACCTCAAGTTGAAGGGTAAGTTTCTACTGGGGTTTGGTGATACA-3'